The following is an entry in ClinVar:

ClinVar aggregate classification (germline): Uncertain significance (1 of 4 stars; one submission).

Conditions:
Capillary malformation-arteriovenous malformation syndrome. Also called: Capillary malformation-arteriovenous malformation. Identifiers: Orphanet 137667, MedGen C1842180, MONDO:0012016.

Submission:

Labcorp Genetics (formerly Invitae), Labcorp
Classification: Uncertain significance for Capillary malformation-arteriovenous malformation syndrome. Last evaluated: 2026-01-11. Review status: criteria provided, single submitter. Criteria: Invitae Variant Classification Sherloc (09022015). Collection method: clinical testing. Allele origin: germline.
Comment: This variant, c.299_319dup, results in the insertion of 7 amino acid(s) of the RASA1 protein (p.Ala100_Ala106dup), but otherwise preserves the integrity of the reading frame. This variant is present in population databases (rs771844907, gnomAD 0.01%). This variant has not been reported in the literature in individuals affected with RASA1-related conditions. ClinVar contains an entry for this variant (Variation ID: 1392082). Experimental studies and prediction algorithms are not available or were not evaluated, and the functional significance of this variant is currently unknown. In summary, the available evidence is currently insufficient to determine the role of this variant in disease. Therefore, it has been classified as a Variant of Uncertain Significance.

NM_002890.3(RASA1):c.299_319dup (p.93AGVAGAA[3])

Gene: RASA1 (RAS p21 protein activator 1; plus strand). Cytogenetic location: 5q14.3.
Variant type: Duplication.
Coding change: c.299_319dup on transcript NM_002890.3 (MANE Select); coding-DNA positions 299 to 319, 21 bases duplicated (CTGGCGTGGCCGGTGCTGCTG).
Protein change: p.93AGVAGAA[3].
Molecular consequence: inframe insertion.
Genome position (GRCh38, 1-based): chr5:87,268,750-87,268,770, CTGGCGTGGCCGGTGCTGCTG duplicated; duplicating any 21 consecutive bases within chr5:87,268,740-87,268,770 gives the same sequence; the c. name uses the placement nearest the transcript's 3' end. VCF-style (leftmost placement, unchanged base first): chr5-87268739-T-TGGTGCTGCTGCTGGCGTGGCC. GRCh37 (hg19) VCF-style: chr5-86564556-T-TGGTGCTGCTGCTGGCGTGGCC.
Identifiers: ClinVar variation 1392082 (VCV001392082.8), dbSNP rs771844907, ClinGen allele CA3335387.